The following is an entry in ClinVar:

NM_006236.3(POU3F3):c.338C>T (p.Ala113Val)

Gene: POU3F3 (POU class 3 homeobox 3; plus strand). Cytogenetic location: 2q12.1.
Variant type: single nucleotide variant.
Coding change: c.338C>T on transcript NM_006236.3 (MANE Select); coding-DNA position 338, C replaced by T.
Protein change: p.Ala113Val; replaces alanine 113 with valine.
Molecular consequence: missense variant.
Genome position (GRCh38, 1-based): chr2:104,855,848, C>T. VCF-style: chr2-104855848-C-T. GRCh37 (hg19) VCF-style: chr2-105472306-C-T.
Other names: c.338C>T (NM_006236.2); short protein forms A113V.
Identifiers: ClinVar variation 1683789 (VCV001683789.3), dbSNP rs2104339935, ClinGen allele CA348096529.

ClinVar aggregate classification (germline): Uncertain significance. Review status: criteria provided, single submitter (1 of 4 stars). 2 submissions from 2 submitters: Uncertain significance (1). 1 of the submissions does not count toward it. Last evaluated 2022-04-13.

Conditions:
POU3F3-related disorder. Also called: POU3F3-related condition.

gnomAD v4.1: 2 of 1,094,518 alleles (0.00018%); highest among the groups gnomAD compares: Non-Finnish European, 0.00011%; no homozygotes.

Submissions (2):

GeneDx
Classification: Uncertain significance. Last evaluated: 2022-04-13. Review status: criteria provided, single submitter. Criteria: GeneDx Variant Classification Process June 2021. Collection method: clinical testing. Allele origin: germline. Affected: yes.
Comment: Not observed in large population cohorts (gnomAD); In silico analysis supports that this missense variant does not alter protein structure/function; Has not been previously published as pathogenic or benign to our knowledge

PreventionGenetics, part of Exact Sciences
Classification: Uncertain significance for POU3F3-related condition. Last evaluated: 2024-05-30. Review status: no assertion criteria provided. Collection method: clinical testing. Allele origin: germline. Not counted in ClinVar's aggregate classification.
Comment: The POU3F3 c.338C>T variant is predicted to result in the amino acid substitution p.Ala113Val. To our knowledge, this variant has not been reported in the literature or in a large population database, indicating this variant is rare. At this time, the clinical significance of this variant is uncertain due to the absence of conclusive functional and genetic evidence.